The following is an entry in ClinVar:

ClinVar aggregate classification (germline): Uncertain significance. Review status: criteria provided, multiple submitters, no conflicts (2 of 4 stars). 2 submissions from 2 submitters: Uncertain significance (2). Last evaluated 2022-07-21.

Conditions:
Catecholaminergic polymorphic ventricular tachycardia 1. Also called: VENTRICULAR TACHYCARDIA, CATECHOLAMINERGIC POLYMORPHIC, 1, WITH OR WITHOUT ATRIAL DYSFUNCTION AND/OR DILATED CARDIOMYOPATHY; RYR2-Related Catecholaminergic Polymorphic Ventricular Tachycardia; VENTRICULAR TACHYCARDIA, STRESS-INDUCED POLYMORPHIC 1. Identifiers: Orphanet 3286, MedGen C1631597, MONDO:0011484, OMIM 604772.
Cardiovascular phenotype. Identifiers: MedGen CN230736.

Allele frequency attached by ClinVar (database versions not stated): ExAC below 0.00001; gnomAD exomes 0.00001; TOPMed 0.00002.
gnomAD v4.1: 15 of 1,548,222 alleles (0.00097%); highest among the groups gnomAD compares: Non-Finnish European, 0.0012%; no homozygotes.

Submissions (2):

Labcorp Genetics (formerly Invitae), Labcorp
Classification: Uncertain significance for Catecholaminergic polymorphic ventricular tachycardia 1. Last evaluated: 2022-07-21. Review status: criteria provided, single submitter. Criteria: Invitae Variant Classification Sherloc (09022015). Collection method: clinical testing. Allele origin: germline.
Comment: This sequence change replaces proline, which is neutral and non-polar, with arginine, which is basic and polar, at codon 284 of the TRDN protein (p.Pro284Arg). This variant is present in population databases (rs755534468, gnomAD 0.003%). This variant has not been reported in the literature in individuals affected with TRDN-related conditions. ClinVar contains an entry for this variant (Variation ID: 532386). Algorithms developed to predict the effect of missense changes on protein structure and function are either unavailable or do not agree on the potential impact of this missense change (SIFT: "Deleterious"; PolyPhen-2: "Probably Damaging"; Align-GVGD: "Class C0"). Algorithms developed to predict the effect of sequence changes on RNA splicing suggest that this variant may disrupt the consensus splice site. In summary, the available evidence is currently insufficient to determine the role of this variant in disease. Therefore, it has been classified as a Variant of Uncertain Significance.

Ambry Genetics
Classification: Uncertain significance for Cardiovascular phenotype. Last evaluated: 2017-12-16. Review status: criteria provided, single submitter. Criteria: Ambry Variant Classification Scheme 2023. Collection method: clinical testing. Allele origin: germline.
Comment: The p.P284R variant (also known as c.851C>G), located in coding exon 9 of the TRDN gene, results from a C to G substitution at nucleotide position 851. The proline at codon 284 is replaced by arginine, an amino acid with dissimilar properties. This amino acid position is highly conserved in available vertebrate species. In addition, the in silico prediction for this alteration is inconclusive. Since supporting evidence is limited at this time, the clinical significance of this alteration remains unclear.

NM_006073.4(TRDN):c.851C>G (p.Pro284Arg)

Gene: TRDN (triadin; minus strand). Cytogenetic location: 6q22.31.
Variant type: single nucleotide variant.
Coding change: c.851C>G on transcript NM_006073.4 (MANE Select); coding-DNA position 851, C replaced by G.
Protein change: p.Pro284Arg; replaces proline 284 with arginine.
Molecular consequence: missense variant. On other transcripts: intron variant (1).
Genome position (GRCh38, 1-based): chr6:123,497,195, G>C on the plus strand (C>G on the coding strand, the complement: TRDN is on the minus strand). VCF-style: chr6-123497195-G-C. GRCh37 (hg19) VCF-style: chr6-123818340-G-C.
Other names: c.851C>G, p.Pro284Arg (NM_001251987.2); c.793+6524C>G (NM_001256020.2); short protein forms P284R.
Identifiers: ClinVar variation 532386 (VCV000532386.9), dbSNP rs755534468, ClinGen allele CA3984249.